The following is an entry in ClinVar:

ClinVar aggregate classification (germline): Likely benign (1 of 4 stars; one submission).

Conditions:
Breast-ovarian cancer, familial, susceptibility to, 2 (BROVCA2). Also called: BRCA2 Hereditary Breast and Ovarian Cancer. Identifiers: Orphanet 145, MedGen C2675520, MONDO:0012933, OMIM 612555. Disease mechanism: loss of function.

gnomAD v4.1: 2 of 1,609,566 alleles (0.00012%); highest among the groups gnomAD compares: Non-Finnish European, 0.00017%; no homozygotes.

Submission:

Cancer Bioinformatics and Tumour Evolution Laboratory, Monash University
Classification: Likely benign for Breast-ovarian cancer, familial, susceptibility to, 2. Last evaluated: 2026-05-01. Review status: criteria provided, single submitter. Criteria: ClinGen BRCA1 and BRCA2 Guidelines, 2024. Collection method: curation. Allele origin: germline. Inheritance: Autosomal dominant inheritance.
Comment: Missense variant outside of a functional domain with no splice impact. BRCA1 and BRCA2 VCEP guidelines recommend application of BP1_Strong (PMID: 39142283)

NM_000059.4(BRCA2):c.1576G>C (p.Asp526His)

Gene: BRCA2 (BRCA2 DNA repair associated; plus strand). Cytogenetic location: 13q13.1.
Variant type: single nucleotide variant.
Coding change: c.1576G>C on transcript NM_000059.4 (MANE Select); coding-DNA position 1576, G replaced by C.
Protein change: p.Asp526His; replaces aspartic acid 526 with histidine.
Molecular consequence: missense variant. On other transcripts: non-coding transcript variant (1), intron variant (1).
Genome position (GRCh38, 1-based): chr13:32,333,054, G>C. VCF-style: chr13-32333054-G-C. GRCh37 (hg19) VCF-style: chr13-32907191-G-C.
Other names: c.1576G>C, p.Asp526His (NM_001406719.1, NM_001406720.1, NM_001406721.1 and 1 more transcripts); c.424+2024G>C (NM_001406722.1); short protein forms D526H.
Identifiers: ClinVar variation 4856511 (VCV004856511.1).